The following is an entry in ClinVar:

ClinVar aggregate classification (germline): Uncertain significance. Review status: criteria provided, multiple submitters, no conflicts (2 of 4 stars). 2 submissions from 2 submitters: Uncertain significance (2). Last evaluated 2024-03-12.

Allele frequency attached by ClinVar (database versions not stated): gnomAD exomes 0.00001.
gnomAD v4.1: 7 of 1,613,574 alleles (0.00043%); highest among the groups gnomAD compares: Admixed American, 0.012%; no homozygotes.

Submissions (2):

Blueprint Genetics
Classification: Uncertain significance. Last evaluated: 2024-03-12. Review status: criteria provided, single submitter. Criteria: ACMG Guidelines, 2015. Collection method: clinical testing. Allele origin: germline.

Labcorp Genetics (formerly Invitae), Labcorp
Classification: Uncertain significance. Last evaluated: 2024-02-23. Review status: criteria provided, single submitter. Criteria: Invitae Variant Classification Sherloc (09022015). Collection method: clinical testing. Allele origin: germline.
Comment: This sequence change replaces methionine, which is neutral and non-polar, with leucine, which is neutral and non-polar, at codon 642 of the CDH23 protein (p.Met642Leu). This variant is present in population databases (no rsID available, gnomAD 0.003%). This variant has not been reported in the literature in individuals affected with CDH23-related conditions. ClinVar contains an entry for this variant (Variation ID: 2146719). Advanced modeling of protein sequence and biophysical properties (such as structural, functional, and spatial information, amino acid conservation, physicochemical variation, residue mobility, and thermodynamic stability) performed at Invitae indicates that this missense variant is not expected to disrupt CDH23 protein function with a negative predictive value of 95%. In summary, the available evidence is currently insufficient to determine the role of this variant in disease. Therefore, it has been classified as a Variant of Uncertain Significance.

NM_022124.6(CDH23):c.1924A>T (p.Met642Leu)

Gene: CDH23 (cadherin related 23; plus strand). Cytogenetic location: 10q22.1.
Variant type: single nucleotide variant.
Coding change: c.1924A>T on transcript NM_022124.6 (MANE Select); coding-DNA position 1924, A replaced by T.
Protein change: p.Met642Leu; replaces methionine 642 with leucine.
Molecular consequence: missense variant.
Genome position (GRCh38, 1-based): chr10:71,682,510, A>T. VCF-style: chr10-71682510-A-T. GRCh37 (hg19) VCF-style: chr10-73442267-A-T.
Other names: c.1924A>T, p.Met642Leu (NM_001171930.2, NM_001171931.2); short protein forms M642L.
Identifiers: ClinVar variation 2146719 (VCV002146719.4), dbSNP rs1351029031, ClinGen allele CA377132515.